The following is an entry in ClinVar:

NM_001201543.2(FAM161A):c.184-1G>A

Gene: FAM161A (FAM161 centrosomal protein A; minus strand). Cytogenetic location: 2p15.
Variant type: single nucleotide variant.
Coding change: c.184-1G>A on transcript NM_001201543.2 (MANE Select); the canonical splice acceptor site of the intron before coding-DNA position 184, G replaced by A.
Molecular consequence: splice acceptor variant.
Genome position (GRCh38, 1-based): chr2:61,842,361, C>T on the plus strand (G>A on the coding strand, the complement: FAM161A is on the minus strand). VCF-style: chr2-61842361-C-T. GRCh37 (hg19) VCF-style: chr2-62069496-C-T.
Other names: c.184-1G>A (NM_032180.3).
Identifiers: ClinVar variation 4734422 (VCV004734422.1).

ClinVar aggregate classification (germline): Likely pathogenic (1 of 4 stars; one submission).

Submission:

Labcorp Genetics (formerly Invitae), Labcorp
Classification: Likely pathogenic. Last evaluated: 2025-12-30. Review status: criteria provided, single submitter. Criteria: Invitae Variant Classification Sherloc (09022015). Collection method: clinical testing. Allele origin: germline.
Comment: This sequence change affects an acceptor splice site in intron 1 of the FAM161A gene. It is expected to disrupt RNA splicing. Variants that disrupt the donor or acceptor splice site typically lead to a loss of protein function (PMID: 16199547), and loss-of-function variants in FAM161A are known to be pathogenic (PMID: 20705278, 20705279, 24651477). This variant is not present in population databases (gnomAD no frequency). This variant has not been reported in the literature in individuals affected with FAM161A-related conditions. Algorithms developed to predict the effect of sequence changes on RNA splicing suggest that this variant may disrupt the consensus splice site. In summary, the currently available evidence indicates that the variant is pathogenic, but additional data are needed to prove that conclusively. Therefore, this variant has been classified as Likely Pathogenic.

Literature cited by the submitters: PubMed 16199547; PubMed 20705278; PubMed 20705279; PubMed 24651477.